The following is an entry in ClinVar:

ClinVar aggregate classification (germline): Uncertain significance (1 of 4 stars; one submission).

Allele frequency attached by ClinVar (database versions not stated): gnomAD exomes below 0.00001.
gnomAD v4.1: 1 of 1,614,150 alleles (0.000062%); highest among the groups gnomAD compares: Non-Finnish European, 0.000085%; no homozygotes.

Submission:

Labcorp Genetics (formerly Invitae), Labcorp
Classification: Uncertain significance. Last evaluated: 2022-11-17. Review status: criteria provided, single submitter. Criteria: Invitae Variant Classification Sherloc (09022015). Collection method: clinical testing. Allele origin: germline.
Comment: Algorithms developed to predict the effect of missense changes on protein structure and function (SIFT, PolyPhen-2, Align-GVGD) all suggest that this variant is likely to be tolerated. This sequence change replaces leucine, which is neutral and non-polar, with methionine, which is neutral and non-polar, at codon 113 of the MSH3 protein (p.Leu113Met). This variant is not present in population databases (gnomAD no frequency). This variant has not been reported in the literature in individuals affected with MSH3-related conditions. In summary, the available evidence is currently insufficient to determine the role of this variant in disease. Therefore, it has been classified as a Variant of Uncertain Significance.

NM_002439.5(MSH3):c.337C>A (p.Leu113Met)

Gene: MSH3 (mutS homolog 3; plus strand). Cytogenetic location: 5q14.1.
Variant type: single nucleotide variant.
Coding change: c.337C>A on transcript NM_002439.5 (MANE Select); coding-DNA position 337, C replaced by A.
Protein change: p.Leu113Met; replaces leucine 113 with methionine.
Molecular consequence: missense variant.
Genome position (GRCh38, 1-based): chr5:80,656,510, C>A. VCF-style: chr5-80656510-C-A. GRCh37 (hg19) VCF-style: chr5-79952329-C-A.
Other names: short protein forms L113M.
Identifiers: ClinVar variation 1996588 (VCV001996588.4), dbSNP rs2112801835, ClinGen allele CA360266526.